The following is an entry in ClinVar:

ClinVar aggregate classification (germline): Uncertain significance (1 of 4 stars; one submission).

Conditions:
SIM1-related disorder. Also called: SIM1-related disorders; SIM1-related condition.

gnomAD v4.1: 3 of 1,614,080 alleles (0.00019%); highest among the groups gnomAD compares: Non-Finnish European, 0.00025%; no homozygotes.

Submission:

PreventionGenetics, part of Exact Sciences
Classification: Uncertain significance for SIM1-related condition. Last evaluated: 2025-05-21. Review status: criteria provided, single submitter. Criteria: ACMG Guidelines, 2015. Collection method: clinical testing. Allele origin: germline.
Comment: The SIM1 c.640G>T variant is predicted to result in the amino acid substitution p.Gly214Cys. To our knowledge, this variant has not been reported in the literature or in a large population database (gnomAD), indicating this variant is rare. At this time, the clinical significance of this variant is uncertain due to the absence of conclusive functional and genetic evidence.

NM_005068.3(SIM1):c.640G>T (p.Gly214Cys)

Gene: SIM1 (SIM bHLH transcription factor 1; minus strand). Cytogenetic location: 6q16.3.
Variant type: single nucleotide variant.
Coding change: c.640G>T on transcript NM_005068.3 (MANE Select); coding-DNA position 640, G replaced by T.
Protein change: p.Gly214Cys; replaces glycine 214 with cysteine.
Molecular consequence: missense variant.
Genome position (GRCh38, 1-based): chr6:100,448,582, C>A on the plus strand (G>T on the coding strand, the complement: SIM1 is on the minus strand). VCF-style: chr6-100448582-C-A. GRCh37 (hg19) VCF-style: chr6-100896458-C-A.
Other names: c.640G>T, p.Gly214Cys (NM_001374769.1); short protein forms G214C.
Identifiers: ClinVar variation 4999748 (VCV004999748.1).